The following is an entry in ClinVar:

ClinVar aggregate classification (germline): Uncertain significance (1 of 4 stars; one submission).

Conditions:
Amyotrophic lateral sclerosis type 1 (ALS1). Also called: AMYOTROPHIC LATERAL SCLEROSIS 1, FAMILIAL. Identifiers: Orphanet 803, MedGen C1862939, MONDO:0007103, OMIM 105400.
Neuronopathy, distal hereditary motor, type 7B. Also called: Distal Hereditary Motor Neuronopathy Type 7B (dHMN7B); HMN VIIB; NEURONOPATHY, DISTAL HEREDITARY MOTOR, AUTOSOMAL DOMINANT 14; NEURONOPATHY, DISTAL HEREDITARY MOTOR, HARDING TYPE VIIB; NEUROPATHY, DISTAL HEREDITARY MOTOR, HARDING TYPE VIIB; NEUROPATHY, DISTAL HEREDITARY MOTOR, WITH VOCAL CORD PARALYSIS, HARDING TYPE VIIB. Identifiers: Orphanet 139589, MedGen C1843315, MONDO:0011879, OMIM 607641.
Perry syndrome. Also called: PARKINSONISM WITH ALVEOLAR HYPOVENTILATION AND MENTAL DEPRESSION. Identifiers: Orphanet 178509, MedGen C1868594, MONDO:0008201, OMIM 168605.

Submission:

Labcorp Genetics (formerly Invitae), Labcorp
Classification: Uncertain significance for Amyotrophic lateral sclerosis type 1; Neuronopathy, distal hereditary motor, type 7B; Perry syndrome. Last evaluated: 2022-01-15. Review status: criteria provided, single submitter. Criteria: Invitae Variant Classification Sherloc (09022015). Collection method: clinical testing. Allele origin: germline.
Comment: Algorithms developed to predict the effect of missense changes on protein structure and function are either unavailable or do not agree on the potential impact of this missense change (SIFT: "Deleterious"; PolyPhen-2: "Benign"; Align-GVGD: "Class C0"). This variant has not been reported in the literature in individuals affected with DCTN1-related conditions. This variant is not present in population databases (gnomAD no frequency). This sequence change replaces leucine, which is neutral and non-polar, with methionine, which is neutral and non-polar, at codon 483 of the DCTN1 protein (p.Leu483Met). In summary, the available evidence is currently insufficient to determine the role of this variant in disease. Therefore, it has been classified as a Variant of Uncertain Significance.

NM_004082.5(DCTN1):c.1447C>A (p.Leu483Met)

Gene: DCTN1 (dynactin subunit 1; minus strand). Cytogenetic location: 2p13.1.
Variant type: single nucleotide variant.
Coding change: c.1447C>A on transcript NM_004082.5 (MANE Select); coding-DNA position 1447, C replaced by A.
Protein change: p.Leu483Met; replaces leucine 483 with methionine.
Molecular consequence: missense variant. On other transcripts: non-coding transcript variant (1).
Genome position (GRCh38, 1-based): chr2:74,369,437, G>T on the plus strand (C>A on the coding strand, the complement: DCTN1 is on the minus strand). VCF-style: chr2-74369437-G-T. GRCh37 (hg19) VCF-style: chr2-74596564-G-T.
Other names: c.1387C>A, p.Leu463Met (NM_001135040.3); c.1045C>A, p.Leu349Met (NM_001135041.3, NM_023019.4); c.1336C>A, p.Leu446Met (NM_001190836.2); c.1426C>A, p.Leu476Met (NM_001190837.2); c.1396C>A, p.Leu466Met (NM_001378991.1); c.1378C>A, p.Leu460Met (NM_001378992.1); short protein forms L460M, L463M, L476M, L349M, L466M, L446M, L483M.
Identifiers: ClinVar variation 2084324 (VCV002084324.4), dbSNP rs145369076, ClinGen allele CA347358788.